The following is an entry in ClinVar:

NM_001365951.3(KIF1B):c.2115+6753A>G

Gene: KIF1B (kinesin family member 1B; plus strand). Cytogenetic location: 1p36.22.
Variant type: single nucleotide variant.
Coding change: c.2115+6753A>G on transcript NM_001365951.3 (MANE Select); 6753 bases into the intron after coding-DNA position 2115, A replaced by G.
Molecular consequence: intron variant. On other transcripts: synonymous variant (2).
Genome position (GRCh38, 1-based): chr1:10,303,999, A>G. VCF-style: chr1-10303999-A-G. GRCh37 (hg19) VCF-style: chr1-10364057-A-G.
Other names: c.2814A>G, p.Thr938= (NM_001365953.1, NM_183416.4); c.1977+6753A>G (NM_015074.3); c.2115+6753A>G (NM_001365952.1).
Identifiers: ClinVar variation 811654 (VCV000811654.20), dbSNP rs41274462, ClinGen allele CA581306.
Genomic context (GRCh38, chr1:10,303,999, plus strand): 5'-TCTGCGCTGGATGAGGCAAGAGCAAATTCGGTTTAAGAACTTGCAACAGCAGGAGATAAC[A>G]AAGCAGCTTCGTCGGCAGAATGTACCTCATAGGTTCATCCCTCCTGAGAACCGGAAGCCC-3'

ClinVar aggregate classification (germline): Benign. Review status: criteria provided, multiple submitters, no conflicts (2 of 4 stars). 3 submissions from 3 submitters: Benign (2). 1 of the submissions does not count toward it. Last evaluated 2025-07-28.

Allele frequency attached by ClinVar (database versions not stated): TOPMed 0.01560; ESP Exome Variant Server 0.01868; 1000 Genomes Project 0.00659; gnomAD exomes 0.01840; 1000 Genomes Project 30x 0.00609; ExAC 0.01781; gnomAD 0.01883 and 0.01960.
gnomAD v4.1: 37,885 of 1,608,828 alleles (2.4%); highest among the groups gnomAD compares: Non-Finnish European, 2.8%; 574 homozygotes.

Submissions (3):

ARUP Laboratories, Molecular Genetics and Genomics, ARUP Laboratories
Classification: Benign. Last evaluated: 2025-07-28. Review status: criteria provided, single submitter. Criteria: ARUP Molecular Germline Variant Investigation Process 2024. Collection method: clinical testing. Allele origin: germline.

Breakthrough Genomics
Classification: Benign. Review status: criteria provided, single submitter. Criteria: ACMG Guidelines, 2015. Collection method: not provided. Allele origin: germline. Inheritance: Autosomal dominant inheritance. Affected: yes.

Department of Pathology and Laboratory Medicine, Sinai Health System
Classification: Uncertain significance. Review status: no assertion criteria provided. Collection method: clinical testing. Allele origin: unknown. Affected: yes. Study: The Canadian Open Genetics Repository (COGR). Not counted in ClinVar's aggregate classification.
Comment: splicing N/AVariant was observed in a homozygous state in population databases more than expected for disease.Allele frequency is greater than expected for the disorder.A synonymous variant not located in a splice region.